The following is an entry in ClinVar:

NM_000540.3(RYR1):c.3899del (p.Phe1300fs)

Gene: RYR1 (ryanodine receptor 1; plus strand). Cytogenetic location: 19q13.2.
Variant type: Deletion.
Coding change: c.3899del on transcript NM_000540.3 (MANE Select); coding-DNA position 3899, one base deleted (T; older notation c.3899delT).
Protein change: p.Phe1300fs; shifts the reading frame from phenylalanine 1300.
Molecular consequence: frameshift variant.
Genome position (GRCh38, 1-based): chr19:38,473,510, T deleted; the last of 2 consecutive T bases (chr19:38,473,509-38,473,510); deleting either gives the same sequence. VCF-style (leftmost placement, unchanged base first): chr19-38473508-CT-C. GRCh37 (hg19) VCF-style: chr19-38964148-CT-C.
Other names: c.3899del, p.Phe1300fs (NM_001042723.2); short protein forms F1300fs.
Identifiers: ClinVar variation 3377284 (VCV003377284.1).

ClinVar aggregate classification (germline): Pathogenic (1 of 4 stars; one submission).

Conditions:
Congenital multicore myopathy with external ophthalmoplegia (CMYO1B). Also called: Congenital myopathy 1B, autosomal recessive; Minicore myopathy; MULTIMINICORE DISEASE WITH EXTERNAL OPHTHALMOPLEGIA; Minicore myopathy with external ophthalmoplegia; MULTICORE MYOPATHY. Identifiers: Orphanet 598, Orphanet 98905, MedGen C1850674, MONDO:0009712, OMIM 255320, HP:0003789.

Submission:

Victorian Clinical Genetics Services, Murdoch Childrens Research Institute
Classification: Pathogenic for Congenital multicore myopathy with external ophthalmoplegia. Last evaluated: 2024-10-11. Review status: criteria provided, single submitter. Criteria: ACMG Guidelines, 2015. Collection method: clinical testing. Allele origin: germline. Inheritance: Autosomal recessive inheritance. Affected: yes.
Comment: Based on the classification scheme VCGS_Germline_v1.3.5, this variant is classified as Pathogenic. Following criteria are met: 0103 - Loss of function and gain of function are known mechanisms of disease in this gene and are associated with RYR1-related disorders (OMIM). Gain of function mechanism has been described in the context of malignant hyperthermia susceptibility 1 (MIM#145600) and autosomal dominant congenital myopathy 1A with susceptibility to malignant hyperthermia (MIM#117000). Autosomal recessive congenital myopathy 1B (MIM#255320) is associated with a loss of function mechanism (PMIDs: 27855725, 23919265). The mechanism of King-Denborough syndrome (MIM#619542) is unclear. (I) 0108 - This gene is associated with both recessive and dominant disease (OMIM). (I) 0201 - Variant is predicted to cause nonsense-mediated decay (NMD) and loss of protein (premature termination codon is located at least 54 nucleotides upstream of the final exon-exon junction). (SP) 0251 - This variant is heterozygous. (I) 0304 - Variant is present in gnomAD (v4) <0.01 (1 heterozygote, 0 homozygotes). (SP) 0701 - Other NMD-predicted variants comparable to the one identified in this case have very strong previous evidence for pathogenicity (DECIPHER). (SP) 0807 - This variant has no previous evidence of pathogenicity. (I) 0905 - No published segregation evidence has been identified for this variant. (I) 1007 - No published functional evidence has been identified for this variant. (I) 1201 - Heterozygous variant detected in trans with a second pathogenic heterozygous variant (NM_000540.2(RYR1):c.10204T>G; p.(Cys3402Gly)) in a recessive disease. (I) Legend: (SP) - Supporting pathogenic, (I) - Information, (SB) - Supporting benign

Literature cited by the submitters: PubMed 23919265; PubMed 27855725.